The following is an entry in ClinVar:

NM_001267550.2(TTN):c.105064G>A (p.Glu35022Lys)

Genes: TTN (titin; minus strand), TTN-AS1 (TTN antisense RNA 1; plus strand). Cytogenetic location: 2q31.2.
Variant type: single nucleotide variant.
Coding change: c.105064G>A on transcript NM_001267550.2 (MANE Select); coding-DNA position 105064, G replaced by A.
Protein change: p.Glu35022Lys; replaces glutamic acid 35022 with lysine.
Molecular consequence: missense variant.
Genome position (GRCh38, 1-based): chr2:178,531,551, C>T on the plus strand (G>A on the coding strand, the complement: TTN is on the minus strand). VCF-style: chr2-178531551-C-T. GRCh37 (hg19) VCF-style: chr2-179396278-C-T.
Other names: c.100141G>A, p.Glu33381Lys (NM_001256850.1); c.77869G>A, p.Glu25957Lys (NM_003319.4); c.78244G>A, p.Glu26082Lys (NM_133432.3); c.78445G>A, p.Glu26149Lys (NM_133437.4); c.97360G>A, p.Glu32454Lys (NM_133378.4); short protein forms E32454K, E35022K, E26149K, E25957K, E33381K, E26082K.
Identifiers: ClinVar variation 179596 (VCV000179596.56), dbSNP rs727504977, ClinGen allele CA184742.

ClinVar aggregate classification (germline): Uncertain significance. Review status: criteria provided, multiple submitters, no conflicts (2 of 4 stars). 4 submissions from 4 submitters: Uncertain significance (4). Last evaluated 2026-04-01.

Conditions:
Dilated cardiomyopathy 1G (CMD1G). Identifiers: Orphanet 154, MedGen C1858763, MONDO:0011400, OMIM 604145.
Autosomal recessive limb-girdle muscular dystrophy type 2J (LGMDR10). Also called: Limb-girdle muscular dystrophy, type 2J; MUSCULAR DYSTROPHY, LIMB-GIRDLE, AUTOSOMAL RECESSIVE 10. Identifiers: Orphanet 140922, MedGen C1837342, MONDO:0012127, OMIM 608807.

Allele frequency attached by ClinVar (database versions not stated): gnomAD exomes below 0.00001; ExAC 0.00001; gnomAD 0.00001; TOPMed 0.00002.
gnomAD v4.1: 9 of 1,613,838 alleles (0.00056%); highest among the groups gnomAD compares: East Asian, 0.0022%; no homozygotes.

Submissions (4):

CeGaT Center for Human Genetics Tuebingen
Classification: Uncertain significance. Last evaluated: 2026-04-01. Review status: criteria provided, single submitter. Criteria: CeGaT Center For Human Genetics Tuebingen Variant Classification Criteria Version 2. Collection method: clinical testing. Allele origin: germline. Affected: yes. Observed: 2 variant alleles.
Comment: TTN: PM2

Labcorp Genetics (formerly Invitae), Labcorp
Classification: Uncertain significance for Dilated cardiomyopathy 1G; Autosomal recessive limb-girdle muscular dystrophy type 2J. Last evaluated: 2025-11-03. Review status: criteria provided, single submitter. Criteria: Invitae Variant Classification Sherloc (09022015). Collection method: clinical testing. Allele origin: germline.
Comment: This sequence change replaces glutamic acid, which is acidic and polar, with lysine, which is basic and polar, at codon 35022 of the TTN protein (p.Glu35022Lys). This variant is present in population databases (rs727504977, gnomAD 0.0009%). This variant has not been reported in the literature in individuals affected with TTN-related conditions. ClinVar contains an entry for this variant (Variation ID: 179596). Experimental studies and prediction algorithms are not available or were not evaluated, and the functional significance of this variant is currently unknown. This variant is located in the M band of TTN (PMID: 25589632). Non-truncating variants in this region may be relevant for neuromuscular disorders, but have not been definitively shown to cause cardiomyopathy (PMID: 23975875). In summary, the available evidence is currently insufficient to determine the role of this variant in disease. Therefore, it has been classified as a Variant of Uncertain Significance.

Revvity Omics, Revvity
Classification: Uncertain significance. Last evaluated: 2024-08-13. Review status: criteria provided, single submitter. Criteria: ACMG Guidelines, 2015. Collection method: clinical testing. Allele origin: germline.

Laboratory for Molecular Medicine, Mass General Brigham Personalized Medicine
Classification: Uncertain significance. Last evaluated: 2014-03-14. Review status: criteria provided, single submitter. Criteria: LMM Criteria. Collection method: clinical testing. Allele origin: germline. Observed: 1 variant allele.
Comment: The Glu32454Lys variant in TTN has not been previously reported in individuals w ith cardiomyopathy or in large population studies. Computational prediction tool s and conservation analyses do not provide strong support for or against an impa ct to the protein. Additional information is needed to fully assess the clinical significance of this variant.

Literature cited by the submitters: PubMed 25589632 (cited by Labcorp Genetics (formerly Invitae), Labcorp); PubMed 23975875 (cited by Labcorp Genetics (formerly Invitae), Labcorp).